The following is an entry in ClinVar:

NM_001365276.2(TNXB):c.2626A>C (p.Ser876Arg)

Gene: TNXB (tenascin XB; minus strand). Cytogenetic location: 6p21.33.
Variant type: single nucleotide variant.
Coding change: c.2626A>C on transcript NM_001365276.2 (MANE Select); coding-DNA position 2626, A replaced by C.
Protein change: p.Ser876Arg; replaces serine 876 with arginine.
Molecular consequence: missense variant.
Genome position (GRCh38, 1-based): chr6:32,088,938, T>G on the plus strand (A>C on the coding strand, the complement: TNXB is on the minus strand). VCF-style: chr6-32088938-T-G. GRCh37 (hg19) VCF-style: chr6-32056715-T-G.
Other names: c.2626A>C, p.Ser876Arg (NM_001428335.1, NM_019105.8); short protein forms S876R.
Identifiers: ClinVar variation 4842861 (VCV004842861.1).

ClinVar aggregate classification (germline): Uncertain significance (1 of 4 stars; one submission).

Conditions:
Cardiovascular phenotype. Identifiers: MedGen CN230736.

Submission:

Ambry Genetics
Classification: Uncertain significance for Cardiovascular phenotype. Last evaluated: 2025-12-19. Review status: criteria provided, single submitter. Criteria: Ambry Variant Classification Scheme 2023. Collection method: clinical testing. Allele origin: germline.
Comment: The p.S876R variant (also known as c.2626A>C), located in coding exon 5 of the TNXB gene, results from an A to C substitution at nucleotide position 2626. The serine at codon 876 is replaced by arginine, an amino acid with dissimilar properties. This amino acid position is conserved. In addition, this alteration is predicted to be tolerated by in silico analysis. Based on the available evidence, the clinical significance of this variant remains unclear.